The following is an entry in ClinVar:

NM_001267550.2(TTN):c.84482del (p.Pro28161fs)

Genes: TTN-AS1 (TTN antisense RNA 1; plus strand), TTN (titin; minus strand). Cytogenetic location: 2q31.2.
Variant type: Deletion.
Coding change: c.84482del on transcript NM_001267550.2 (MANE Select); coding-DNA position 84482, one base deleted (C; older notation c.84482delC).
Protein change: p.Pro28161fs; shifts the reading frame from proline 28161.
Molecular consequence: frameshift variant.
Genome position (GRCh38, 1-based): chr2:178,561,650, G deleted on the plus strand (C on the coding strand, the reverse complement: TTN is on the minus strand); the first of 2 consecutive G bases (chr2:178,561,650-178,561,651); deleting either gives the same sequence. VCF-style (leftmost placement, unchanged base first): chr2-178561649-AG-A. GRCh37 (hg19) VCF-style: chr2-179426376-AG-A.
Other names: c.79559del, p.Pro26520fs (NM_001256850.1); c.57287del, p.Pro19096fs (NM_003319.4); c.76778del, p.Pro25593fs (NM_133378.4); c.57662del, p.Pro19221fs (NM_133432.3); c.57863del, p.Pro19288fs (NM_133437.4); c.84482delC (NM_001267550.2); c.79559delC (NM_001256850.1); short protein forms P26520fs, P28161fs, P19096fs, P25593fs, P19221fs, P19288fs.
Identifiers: ClinVar variation 405094 (VCV000405094.13), dbSNP rs1060500556, ClinGen allele CA16610252.

ClinVar aggregate classification (germline): Likely pathogenic. Review status: criteria provided, multiple submitters, no conflicts (2 of 4 stars). 2 submissions from 2 submitters: Likely pathogenic (2). Last evaluated 2025-02-11.

Conditions:
Dilated cardiomyopathy 1G (CMD1G). Identifiers: Orphanet 154, MedGen C1858763, MONDO:0011400, OMIM 604145.
Autosomal recessive limb-girdle muscular dystrophy type 2J (LGMDR10). Also called: Limb-girdle muscular dystrophy, type 2J; MUSCULAR DYSTROPHY, LIMB-GIRDLE, AUTOSOMAL RECESSIVE 10. Identifiers: Orphanet 140922, MedGen C1837342, MONDO:0012127, OMIM 608807.

Submissions (2):

Labcorp Genetics (formerly Invitae), Labcorp
Classification: Likely pathogenic for Dilated cardiomyopathy 1G; Autosomal recessive limb-girdle muscular dystrophy type 2J. Last evaluated: 2025-02-11. Review status: criteria provided, single submitter. Criteria: Invitae Variant Classification Sherloc (09022015). Collection method: clinical testing. Allele origin: germline.
Comment: This sequence change creates a premature translational stop signal (p.Pro28161Leufs*13) in the TTN gene. While this is not anticipated to result in nonsense mediated decay, it is expected to create a truncated TTN protein. This variant is not present in population databases (gnomAD no frequency). This variant has not been reported in the literature in individuals affected with TTN-related conditions. ClinVar contains an entry for this variant (Variation ID: 405094). This variant is located in the A band of TTN (PMID: 25589632). Truncating variants in this region are significantly overrepresented in patients affected with dilated cardiomyopathy (PMID: 25589632). Truncating variants in this region have also been reported in individuals affected with autosomal recessive centronuclear myopathy (PMID: 23975875). In summary, the currently available evidence indicates that the variant is pathogenic, but additional data are needed to prove that conclusively. Therefore, this variant has been classified as Likely Pathogenic.

GeneDx
Classification: Likely pathogenic. Last evaluated: 2019-01-16. Review status: criteria provided, single submitter. Criteria: GeneDx Variant Classification (06012015). Collection method: clinical testing. Allele origin: germline. Affected: yes.
Comment: The c.79559delC likely pathogenic variant in the TTN gene has not been published as pathogenic or benign to our knowledge. This variant causes a shift in reading frame starting at codon proline 26520, changing it to a leucine, and creating a premature stop codon at position 13 of the new reading frame, denoted p.Pro26520LeufsX13. This likely pathogenic variant is expected to result in either an abnormal, truncated protein product or loss of protein from this allele through nonsense-mediated mRNA decay. Other truncating TTN variants have been reported in approximately 3% of control alleles (Herman et al., 2012). However, the c.79559delC variant is located in the A-band region of titin, where the majority of truncating pathogenic variants associated with DCM have been reported (Herman et al., 2012). Moreover, the c.79559delC variant has not been observed in large population cohorts (Lek et al., 2016). In summary, c.79559delC in the TTN gene is interpreted as a likely pathogenic variant.

Literature cited by the submitters: PubMed 25589632 (cited by Labcorp Genetics (formerly Invitae), Labcorp); PubMed 23975875 (cited by Labcorp Genetics (formerly Invitae), Labcorp).